The following is an entry in ClinVar:

ClinVar aggregate classification (germline): Uncertain significance (0 of 4 stars; one submission).

Conditions:
ARHGAP31-related disorder. Also called: ARHGAP31-related condition.

gnomAD v4.1: 1 of 1,614,062 alleles (0.000062%); highest among the groups gnomAD compares: Non-Finnish European, 0.000085%; no homozygotes.

Submission:

PreventionGenetics, part of Exact Sciences
Classification: Uncertain significance for ARHGAP31-related condition. Last evaluated: 2024-04-23. Review status: no assertion criteria provided. Collection method: clinical testing. Allele origin: germline.
Comment: The ARHGAP31 c.3959A>G variant is predicted to result in the amino acid substitution p.Asn1320Ser. To our knowledge, this variant has not been reported in the literature. This variant is reported in 0.0065% of alleles in individuals of European (Non-Finnish) descent in gnomAD. At this time, the clinical significance of this variant is uncertain due to the absence of conclusive functional and genetic evidence.

NM_020754.4(ARHGAP31):c.3959A>G (p.Asn1320Ser)

Gene: ARHGAP31 (Rho GTPase activating protein 31; plus strand). Cytogenetic location: 3q13.33.
Variant type: single nucleotide variant.
Coding change: c.3959A>G on transcript NM_020754.4 (MANE Select); coding-DNA position 3959, A replaced by G.
Protein change: p.Asn1320Ser; replaces asparagine 1320 with serine.
Molecular consequence: missense variant.
Genome position (GRCh38, 1-based): chr3:119,415,888, A>G. VCF-style: chr3-119415888-A-G. GRCh37 (hg19) VCF-style: chr3-119134735-A-G.
Other names: short protein forms N1320S.
Identifiers: ClinVar variation 3347069 (VCV003347069.1).